The following is an entry in ClinVar:

ClinVar aggregate classification (germline): Uncertain significance (1 of 4 stars; one submission).

Conditions:
Charcot-Marie-Tooth disease axonal type 2O. Also called: CHARCOT-MARIE-TOOTH NEUROPATHY, AXONAL, TYPE 2O; CHARCOT-MARIE-TOOTH DISEASE, AXONAL, AUTOSOMAL DOMINANT, TYPE 2O; Charcot-Marie-Tooth Neuropathy Type 2O; Charcot-Marie-Tooth disease, axonal, type 20. Identifiers: Orphanet 284232, MedGen C3280220, MONDO:0013644, OMIM 614228.

Submission:

Labcorp Genetics (formerly Invitae), Labcorp
Classification: Uncertain significance for Charcot-Marie-Tooth disease axonal type 2O. Last evaluated: 2023-12-02. Review status: criteria provided, single submitter. Criteria: Invitae Variant Classification Sherloc (09022015). Collection method: clinical testing. Allele origin: germline.
Comment: This sequence change replaces leucine, which is neutral and non-polar, with phenylalanine, which is neutral and non-polar, at codon 3400 of the DYNC1H1 protein (p.Leu3400Phe). This variant is not present in population databases (gnomAD no frequency). This variant has not been reported in the literature in individuals affected with DYNC1H1-related conditions. An algorithm developed to predict the effect of missense changes on protein structure and function (PolyPhen-2) suggests that this variant is likely to be disruptive. In summary, the available evidence is currently insufficient to determine the role of this variant in disease. Therefore, it has been classified as a Variant of Uncertain Significance.

NM_001376.5(DYNC1H1):c.10198C>T (p.Leu3400Phe)

Gene: DYNC1H1 (dynein cytoplasmic 1 heavy chain 1; plus strand). Cytogenetic location: 14q32.31.
Variant type: single nucleotide variant.
Coding change: c.10198C>T on transcript NM_001376.5 (MANE Select); coding-DNA position 10198, C replaced by T.
Protein change: p.Leu3400Phe; replaces leucine 3400 with phenylalanine.
Molecular consequence: missense variant.
Genome position (GRCh38, 1-based): chr14:102,033,269, C>T. VCF-style: chr14-102033269-C-T. GRCh37 (hg19) VCF-style: chr14-102499606-C-T.
Other names: short protein forms L3400F.
Identifiers: ClinVar variation 2700519 (VCV002700519.3), dbSNP rs2503823391, ClinGen allele CA391022994.